The following is an entry in ClinVar:

NM_001378454.1(ALMS1):c.10532G>A (p.Trp3511Ter)

Gene: ALMS1 (ALMS1 centrosome and basal body associated protein; plus strand). Cytogenetic location: 2p13.1.
Variant type: single nucleotide variant.
Coding change: c.10532G>A on transcript NM_001378454.1 (MANE Select); coding-DNA position 10532, G replaced by A.
Protein change: p.Trp3511Ter; replaces tryptophan 3511 with a stop codon.
Molecular consequence: nonsense.
Genome position (GRCh38, 1-based): chr2:73,572,409, G>A. VCF-style: chr2-73572409-G-A. GRCh37 (hg19) VCF-style: chr2-73799536-G-A.
Other names: c.10535G>A, p.Trp3512Ter (NM_015120.4); short protein forms W3512*, W3511*.
Identifiers: ClinVar variation 3720347 (VCV003720347.4).

ClinVar aggregate classification (germline): Pathogenic. Review status: criteria provided, multiple submitters, no conflicts (2 of 4 stars). 2 submissions from 2 submitters: Pathogenic (2). Last evaluated 2025-07-07.

Conditions:
Alstrom syndrome (ALMS). Identifiers: Orphanet 64, MedGen C0268425, MONDO:0008763, OMIM 203800.

gnomAD v4.1: 4 of 1,611,212 alleles (0.00025%); highest among the groups gnomAD compares: East Asian, 0.0089%; no homozygotes.

Submissions (2):

Natera, Inc.
Classification: Pathogenic for Alstrom syndrome. Last evaluated: 2025-07-07. Review status: criteria provided, single submitter. Criteria: Natera Variant Classification Schema (03/2026). Collection method: clinical testing. Allele origin: germline.
Comment: The c.10535G>A variant in ALMS1 is a nonsense variant predicted to introduce a stop codon at amino acid 3512. This variant is expected to result in nonsense mediated decay, truncation, or a dysfunctional protein product. This variant is rare in the general population with a frequency below the threshold expected for the associated phenotype(s). This variant has been observed in one or more individuals affected with the associated recessive disease, as either homozygous or compound heterozygous with a second variant (PMID: 30064963). Given the available evidence, this variant is classified as Pathogenic.

Labcorp Genetics (formerly Invitae), Labcorp
Classification: Pathogenic for Alstrom syndrome. Last evaluated: 2024-03-21. Review status: criteria provided, single submitter. Criteria: Invitae Variant Classification Sherloc (09022015). Collection method: clinical testing. Allele origin: germline.
Comment: This sequence change creates a premature translational stop signal (p.Trp3512*) in the ALMS1 gene. It is expected to result in an absent or disrupted protein product. Loss-of-function variants in ALMS1 are known to be pathogenic (PMID: 17594715). This variant is not present in population databases (gnomAD no frequency). This variant has not been reported in the literature in individuals affected with ALMS1-related conditions. For these reasons, this variant has been classified as Pathogenic.

Literature cited by the submitters: PubMed 30064963 (cited by Natera, Inc.); PubMed 17594715 (cited by Labcorp Genetics (formerly Invitae), Labcorp).